The following is an entry in ClinVar:

NM_004415.4(DSP):c.2794-113G>A

Gene: DSP (desmoplakin; plus strand). Cytogenetic location: 6p24.3.
Variant type: single nucleotide variant.
Coding change: c.2794-113G>A on transcript NM_004415.4 (MANE Select); 113 bases into the intron before coding-DNA position 2794, G replaced by A.
Molecular consequence: intron variant.
Genome position (GRCh38, 1-based): chr6:7,576,846, G>A. VCF-style: chr6-7576846-G-A. GRCh37 (hg19) VCF-style: chr6-7577079-G-A.
Other names: c.2794-113G>A (NM_001319034.2, NM_001008844.3).
Identifiers: ClinVar variation 672205 (VCV000672205.1), dbSNP rs2260359, ClinGen allele CA15430615.

ClinVar aggregate classification (germline): Benign (1 of 4 stars; one submission).

Allele frequency attached by ClinVar (database versions not stated): 1000 Genomes Project 30x 0.20940; 1000 Genomes Project 0.21046; TOPMed 0.26845; gnomAD 0.27744 and 0.27892; gnomAD exomes 0.32881.

Submission:

GeneDx
Classification: Benign. Last evaluated: 2018-06-13. Review status: criteria provided, single submitter. Criteria: GeneDx Variant Classification (06012015). Collection method: clinical testing. Allele origin: germline. Affected: yes.
Comment: This variant is considered likely benign or benign based on one or more of the following criteria: it is a conservative change, it occurs at a poorly conserved position in the protein, it is predicted to be benign by multiple in silico algorithms, and/or has population frequency not consistent with disease.